The following is an entry in ClinVar:

ClinVar aggregate classification (germline): Uncertain significance. Review status: criteria provided, multiple submitters, no conflicts (2 of 4 stars). 4 submissions from 4 submitters: Uncertain significance (4). Last evaluated 2025-06-16.

Conditions:
Inborn genetic diseases. Identifiers: MedGen C0950123, MeSH D030342.
Hereditary spastic paraplegia 39 (SPG39). Also called: SPASTIC PARAPLEGIA 39, AUTOSOMAL RECESSIVE; Spastic Paraplegia Type 39 (SPG39). Identifiers: Orphanet 139480, MedGen C2677586, MONDO:0012787, OMIM 612020.

Allele frequency attached by ClinVar (database versions not stated): gnomAD exomes 0.00007; TOPMed 0.00010; ExAC 0.00011.
gnomAD v4.1: 182 of 1,576,472 alleles (0.012%); highest among the groups gnomAD compares: Non-Finnish European, 0.015%; 1 homozygote.

Submissions (4):

Athena Diagnostics
Classification: Uncertain significance. Last evaluated: 2025-06-16. Review status: criteria provided, single submitter. Criteria: Athena Diagnostics Criteria. Collection method: clinical testing. Allele origin: unknown.
Comment: Available data are insufficient to determine the clinical significance of the variant at this time. The frequency of this variant in the general population is uninformative in assessment of its pathogenicity. Polyphen and MutationTaster yielded discordant predictions regarding whether this amino acid change is damaging to the protein.

Labcorp Genetics (formerly Invitae), Labcorp
Classification: Uncertain significance for Hereditary spastic paraplegia 39. Last evaluated: 2025-06-16. Review status: criteria provided, single submitter. Criteria: Invitae Variant Classification Sherloc (09022015). Collection method: clinical testing. Allele origin: germline.
Comment: This sequence change replaces arginine, which is basic and polar, with glycine, which is neutral and non-polar, at codon 34 of the PNPLA6 protein (p.Arg34Gly). This variant is present in population databases (rs781291417, gnomAD 0.02%). This variant has not been reported in the literature in individuals affected with PNPLA6-related conditions. ClinVar contains an entry for this variant (Variation ID: 1397570). Invitae Evidence Modeling of protein sequence and biophysical properties (such as structural, functional, and spatial information, amino acid conservation, physicochemical variation, residue mobility, and thermodynamic stability) has been performed for this missense variant. However, the output from this modeling did not meet the statistical confidence thresholds required to predict the impact of this variant on PNPLA6 protein function. In summary, the available evidence is currently insufficient to determine the role of this variant in disease. Therefore, it has been classified as a Variant of Uncertain Significance.

Ambry Genetics
Classification: Uncertain significance for Inborn genetic diseases. Last evaluated: 2024-11-25. Review status: criteria provided, single submitter. Criteria: Ambry Variant Classification Scheme 2023. Collection method: clinical testing. Allele origin: germline.

Blueprint Genetics
Classification: Uncertain significance. Last evaluated: 2024-05-13. Review status: criteria provided, single submitter. Criteria: ACMG Guidelines, 2015. Collection method: clinical testing. Allele origin: germline.

NM_001166114.2(PNPLA6):c.217A>G (p.Arg73Gly)

Gene: PNPLA6 (patatin like domain 6, lysophospholipase; plus strand). Cytogenetic location: 19p13.2.
Variant type: single nucleotide variant.
Coding change: c.217A>G on transcript NM_001166114.2 (MANE Select); coding-DNA position 217, A replaced by G.
Protein change: p.Arg73Gly; replaces arginine 73 with glycine.
Molecular consequence: missense variant.
Genome position (GRCh38, 1-based): chr19:7,536,005, A>G. VCF-style: chr19-7536005-A-G. GRCh37 (hg19) VCF-style: chr19-7600891-A-G.
Other names: c.244A>G (NM_001166111.1); c.100A>G (NM_006702.4); c.244A>G, p.Arg82Gly (NM_001166111.2); c.100A>G, p.Arg34Gly (NM_001166112.2, NM_001166113.1, NM_006702.5); short protein forms R82G, R34G, R73G.
Identifiers: ClinVar variation 1397570 (VCV001397570.9), dbSNP rs781291417, ClinGen allele CA9139367.
Genomic context (GRCh38, chr19:7,536,005, plus strand): 5'-ATGATCGGGGCCGGAGTGGCGGTGGTGGTCACGGCCGTGCTCATCCTCCTGGTGGTGCGG[A>G]GGCTGCGAGTGCCAAGTGAGCACCCGAGGGGCCCCTCTTGGGAGGCTGTATGGTGGGGGG-3'
Protein context (NP_001159586.1, residues 63-83): TAVLILLVVR[Arg73Gly]LRVPKTPAPD